The following is an entry in ClinVar:

NM_000404.4(GLB1):c.562G>T (p.Glu188Ter)

Gene: GLB1 (galactosidase beta 1; minus strand). Cytogenetic location: 3p22.3.
Variant type: single nucleotide variant.
Coding change: c.562G>T on transcript NM_000404.4 (MANE Select); coding-DNA position 562, G replaced by T.
Protein change: p.Glu188Ter; replaces glutamic acid 188 with a stop codon.
Molecular consequence: nonsense. On other transcripts: intron variant (1).
Genome position (GRCh38, 1-based): chr3:33,058,260, C>A on the plus strand (G>T on the coding strand, the complement: GLB1 is on the minus strand). VCF-style: chr3-33058260-C-A. GRCh37 (hg19) VCF-style: chr3-33099752-C-A.
Other names: p.Glu188Ter; c.472G>T, p.Glu158Ter (NM_001079811.3); c.706G>T, p.Glu236Ter (NM_001317040.2); c.562G>T, p.Glu188Ter (NM_001393580.1); c.341-4711G>T (NM_001135602.3); short protein forms E158*, E188*, E236*.
Identifiers: ClinVar variation 2507026 (VCV002507026.5), dbSNP rs2471398259, ClinGen allele CA352004906.
Genomic context (GRCh38, chr3:33,058,260, plus strand): 5'-GAAAGCGCTTCTGCAGGAAGCGCAGGTAGTCAAAATCACAGGCAAAGTAGCTGCCATATT[C>A]ATTTTCAACCTGTGAGTGAAAAAAGAGCAGGGAAAAATGAGGAGATCCTAATGTAGCCAC-3'

ClinVar aggregate classification (germline): Pathogenic. Review status: criteria provided, multiple submitters, no conflicts (2 of 4 stars). 2 submissions from 2 submitters: Pathogenic (2). Last evaluated 2023-11-21.

Conditions:
Infantile GM1 gangliosidosis. Also called: GM1-gangliosidosis, type I; Gangliosidosis, generalized GM1, infantile form; GLB1 deficiency; GM1 gangliosidosis type 1; Gangliosidosis, Generalized GM1, Type 1. Identifiers: Orphanet 354, Orphanet 79255, MedGen C0268271, MONDO:0009260, OMIM 230500.
GM1 gangliosidosis. Identifiers: Orphanet 354, MedGen C0085131, MONDO:0018149.
Mucopolysaccharidosis, MPS-IV-B (MPS4B). Also called: MPS IVB; Mucopolysaccharidosis Type IVB (Morquio B Disease); MORQUIO SYNDROME B; Mucopolysaccharidosis type 4B; Mucopolysaccharidosis type IVB (Morquio); Mucopolysaccharidosis type IV B. Identifiers: Orphanet 309310, Orphanet 582, MedGen C0086652, MONDO:0009660, OMIM 253010.

Submissions (2):

Labcorp Genetics (formerly Invitae), Labcorp
Classification: Pathogenic for Mucopolysaccharidosis, MPS-IV-B; GM1 gangliosidosis. Last evaluated: 2023-11-21. Review status: criteria provided, single submitter. Criteria: Invitae Variant Classification Sherloc (09022015). Collection method: clinical testing. Allele origin: germline.
Comment: This sequence change creates a premature translational stop signal (p.Glu188*) in the GLB1 gene. It is expected to result in an absent or disrupted protein product. Loss-of-function variants in GLB1 are known to be pathogenic (PMID: 18524657). This variant is not present in population databases (gnomAD no frequency). This variant has not been reported in the literature in individuals affected with GLB1-related conditions. ClinVar contains an entry for this variant (Variation ID: 2507026). For these reasons, this variant has been classified as Pathogenic.

Foundation for Research in Genetics and Endocrinology, FRIGE's Institute of Human Genetics
Classification: Pathogenic for Infantile GM1 gangliosidosis. Last evaluated: 2023-06-24. Review status: criteria provided, single submitter. Criteria: ACMG Guidelines, 2015. Collection method: clinical testing. Allele origin: germline. Inheritance: Autosomal recessive inheritance. Affected: yes. Observed: 1 homozygote.
Comment: A homozygous variation in exon 6 of the GLB1 gene that results in the stop codon and premature truncation of the protein at codon 188 (p.Glu188Ter) was detected. The observed variant c.562G>T (p.Glu188Ter) has not been reported in the 1000 genomes and gnomAD databases. The in silico prediction of the variant are possibly causing DANN, MutationTaster. In summary, the variant meets our criteria to be classified as pathogenic.

Literature cited by the submitters: PubMed 18524657 (cited by Labcorp Genetics (formerly Invitae), Labcorp).